The following is an entry in ClinVar:

ClinVar aggregate classification (germline): Benign/Likely benign. Review status: criteria provided, multiple submitters, no conflicts (2 of 4 stars). 2 submissions from 2 submitters: Benign (1); Likely benign (1). Last evaluated 2026-01-27.

Allele frequency attached by ClinVar (database versions not stated): gnomAD exomes 0.00026 and 0.00068; ExAC 0.00075; 1000 Genomes Project 30x 0.00187; 1000 Genomes Project 0.00220; ESP Exome Variant Server 0.00246; gnomAD 0.00283 and 0.00301; TOPMed 0.00306.
gnomAD v4.1: 836 of 1,611,890 alleles (0.052%); highest among the groups gnomAD compares: African/African-American, 0.97%; 10 homozygotes.

Submissions (2):

Labcorp Genetics (formerly Invitae), Labcorp
Classification: Benign. Last evaluated: 2026-01-27. Review status: criteria provided, single submitter. Criteria: Invitae Variant Classification Sherloc (09022015). Collection method: clinical testing. Allele origin: germline.

CeGaT Center for Human Genetics Tuebingen
Classification: Likely benign. Last evaluated: 2023-07-01. Review status: criteria provided, single submitter. Criteria: CeGaT Center For Human Genetics Tuebingen Variant Classification Criteria Version 2. Collection method: clinical testing. Allele origin: germline. Affected: yes. Observed: 1 variant allele.
Comment: SLC39A14: BS2

NM_001128431.4(SLC39A14):c.271-5T>C

Gene: SLC39A14 (solute carrier family 39 member 14; plus strand). Cytogenetic location: 8p21.3.
Variant type: single nucleotide variant.
Coding change: c.271-5T>C on transcript NM_001128431.4 (MANE Select); 5 bases into the intron before coding-DNA position 271, T replaced by C.
Molecular consequence: intron variant.
Genome position (GRCh38, 1-based): chr8:22,408,305, T>C. VCF-style: chr8-22408305-T-C. GRCh37 (hg19) VCF-style: chr8-22265818-T-C.
Other names: c.271-5T>C (NM_001135154.3, NM_001351656.2, NM_001351655.2 and 3 more transcripts); c.301-5T>C (NM_001351657.2, NM_001351658.2, NM_001351659.2).
Identifiers: ClinVar variation 782507 (VCV000782507.32), dbSNP rs112687724, ClinGen allele CA4667275.